The following is an entry in ClinVar:

NM_004820.5(CYP7B1):c.592G>C (p.Gly198Arg)

Gene: CYP7B1 (cytochrome P450 family 7 subfamily B member 1; minus strand). Cytogenetic location: 8q12.3.
Variant type: single nucleotide variant.
Coding change: c.592G>C on transcript NM_004820.5 (MANE Select); coding-DNA position 592, G replaced by C.
Protein change: p.Gly198Arg; replaces glycine 198 with arginine.
Molecular consequence: missense variant.
Genome position (GRCh38, 1-based): chr8:64,615,949, C>G on the plus strand (G>C on the coding strand, the complement: CYP7B1 is on the minus strand). VCF-style: chr8-64615949-C-G. GRCh37 (hg19) VCF-style: chr8-65528506-C-G.
Other names: c.592G>C, p.Gly198Arg (NM_001324112.2); short protein forms G198R.
Identifiers: ClinVar variation 1003222 (VCV001003222.8), dbSNP rs1805436635, ClinGen allele CA371335407.

ClinVar aggregate classification (germline): Uncertain significance (1 of 4 stars; one submission).

Conditions:
Spastic paraplegia. Identifiers: MedGen C0037772, HP:0001258.

gnomAD v4.1: 2 of 1,613,494 alleles (0.00012%); highest among the groups gnomAD compares: Non-Finnish European, 0.00017%; no homozygotes.

Submission:

Labcorp Genetics (formerly Invitae), Labcorp
Classification: Uncertain significance for Spastic paraplegia. Last evaluated: 2022-06-10. Review status: criteria provided, single submitter. Criteria: Invitae Variant Classification Sherloc (09022015). Collection method: clinical testing. Allele origin: germline.
Comment: ClinVar contains an entry for this variant (Variation ID: 1003222). In summary, the available evidence is currently insufficient to determine the role of this variant in disease. Therefore, it has been classified as a Variant of Uncertain Significance. Algorithms developed to predict the effect of missense changes on protein structure and function (SIFT, PolyPhen-2, Align-GVGD) all suggest that this variant is likely to be disruptive. This missense change has been observed in individuals with clinical features of hereditary spastic paraplegia (PMID: 26714052; Invitae). This variant is not present in population databases (gnomAD no frequency). This sequence change replaces glycine, which is neutral and non-polar, with arginine, which is basic and polar, at codon 198 of the CYP7B1 protein (p.Gly198Arg).

Literature cited by the submitters: PubMed 26714052.